The following is an entry in ClinVar:

ClinVar aggregate classification (germline): Pathogenic (1 of 4 stars; one submission).

Conditions:
Dentinogenesis imperfecta type 2 (DGI1). Also called: CAPDEPONT TEETH; OPALESCENT DENTIN; OPALESCENT TEETH WITHOUT OSTEOGENESIS IMPERFECTA; Dentinogenesis imperfecta without osteogenesis imperfecta; Hereditary Opalescent Dentin; Dentinogenesis imperfecta - Shield's type II. Identifiers: Orphanet 166260, MedGen C2973527, MONDO:0007441, OMIM 125490. Disease mechanism: loss of function.

Submission:

Reference Center For Rare Oral And Dental Diseases, CRMR O-Rares, Hôpitaux Universitaires De Strasbourg
Classification: Pathogenic for Dentinogenesis imperfecta type 2. Last evaluated: 2025-09-03. Review status: criteria provided, single submitter. Criteria: ACMG Guidelines, 2015. Collection method: clinical testing. Allele origin: inherited. Inheritance: Autosomal dominant inheritance. Affected: yes. Observed: 2 variant alleles.
Comment: PP1, PP4, PVS1, PM2 (5)

NM_014208.3(DSPP):c.1887del (p.Glu630fs)

Genes: DMP1-AS1 (DMP1 and DSPP antisense RNA 1; minus strand), DSPP (dentin sialophosphoprotein; plus strand). Cytogenetic location: 4q22.1.
Variant type: Deletion.
Coding change: c.1887del on transcript NM_014208.3 (MANE Select); coding-DNA position 1887, one base deleted (A; older notation c.1887delA).
Protein change: p.Glu630fs; shifts the reading frame from glutamic acid 630.
Molecular consequence: frameshift variant.
Genome position (GRCh38, 1-based): chr4:87,614,549, A deleted. VCF-style (leftmost placement, unchanged base first): chr4-87614548-CA-C. GRCh37 (hg19) VCF-style: chr4-88535700-CA-C.
Other names: short protein forms E630fs.
Identifiers: ClinVar variation 4082229 (VCV004082229.1).